The following is an entry in ClinVar:

ClinVar aggregate classification (germline): Benign/Likely benign. Review status: criteria provided, multiple submitters, no conflicts (2 of 4 stars). 2 submissions from 2 submitters: Benign (1); Likely benign (1). Last evaluated 2025-06-22.

Conditions:
Familial melanoma. Also called: Hereditary melanoma; Hereditary cutaneous melanoma. Identifiers: Orphanet 618, MedGen C1512419, MONDO:0018961.

Allele frequency attached by ClinVar (database versions not stated): gnomAD 0.00001; gnomAD exomes 0.00001 and 0.00002; TOPMed 0.00002.
gnomAD v4.1: 33 of 1,613,996 alleles (0.002%); highest among the groups gnomAD compares: Non-Finnish European, 0.0027%; no homozygotes.

Submissions (2):

Labcorp Genetics (formerly Invitae), Labcorp
Classification: Likely benign for Familial melanoma. Last evaluated: 2025-06-22. Review status: criteria provided, single submitter. Criteria: Invitae Variant Classification Sherloc (09022015). Collection method: clinical testing. Allele origin: germline.

GeneDx
Classification: Benign. Last evaluated: 2014-02-28. Review status: criteria provided, single submitter. Criteria: GeneDx Variant Classification (06012015). Collection method: clinical testing. Allele origin: germline. Affected: yes.
Comment: This variant is considered likely benign or benign based on one or more of the following criteria: it is a conservative change, it occurs at a poorly conserved position in the protein, it is predicted to be benign by multiple in silico algorithms, and/or has population frequency not consistent with disease.

NM_000075.4(CDK4):c.354+19C>T

Gene: CDK4 (cyclin dependent kinase 4; minus strand). Cytogenetic location: 12q14.1.
Variant type: single nucleotide variant.
Coding change: c.354+19C>T on transcript NM_000075.4 (MANE Select); 19 bases into the intron after coding-DNA position 354, C replaced by T.
Molecular consequence: intron variant.
Genome position (GRCh38, 1-based): chr12:57,751,188, G>A on the plus strand (C>T on the coding strand, the complement: CDK4 is on the minus strand). VCF-style: chr12-57751188-G-A. GRCh37 (hg19) VCF-style: chr12-58144971-G-A.
Other names: c.354+19C>T (LRG_490t1).
Identifiers: ClinVar variation 136704 (VCV000136704.6), dbSNP rs587780884, ClinGen allele CA290024.